The following is an entry in ClinVar:

ClinVar aggregate classification (germline): Uncertain significance. Review status: criteria provided, multiple submitters, no conflicts (2 of 4 stars). 2 submissions from 2 submitters: Uncertain significance (2). Last evaluated 2024-04-25.

Conditions:
Familial hemiplegic migraine. Identifiers: MedGen C0338484, MONDO:0000700.

Submissions (2):

Labcorp Genetics (formerly Invitae), Labcorp
Classification: Uncertain significance for Familial hemiplegic migraine. Last evaluated: 2024-04-25. Review status: criteria provided, single submitter. Criteria: Invitae Variant Classification Sherloc (09022015). Collection method: clinical testing. Allele origin: germline.
Comment: This sequence change replaces valine, which is neutral and non-polar, with phenylalanine, which is neutral and non-polar, at codon 69 of the ATP1A2 protein (p.Val69Phe). This variant is not present in population databases (gnomAD no frequency). This variant has not been reported in the literature in individuals affected with ATP1A2-related conditions. Advanced modeling of protein sequence and biophysical properties (such as structural, functional, and spatial information, amino acid conservation, physicochemical variation, residue mobility, and thermodynamic stability) performed at Invitae indicates that this missense variant is not expected to disrupt ATP1A2 protein function with a negative predictive value of 80%. In summary, the available evidence is currently insufficient to determine the role of this variant in disease. Therefore, it has been classified as a Variant of Uncertain Significance.

GeneDx
Classification: Uncertain significance. Last evaluated: 2023-06-03. Review status: criteria provided, single submitter. Criteria: GeneDx Variant Classification Process June 2021. Collection method: clinical testing. Allele origin: germline. Affected: yes.
Comment: Not observed at significant frequency in large population cohorts (gnomAD); In silico analysis supports that this missense variant does not alter protein structure/function; Has not been previously published as pathogenic or benign to our knowledge

NM_000702.4(ATP1A2):c.205G>T (p.Val69Phe)

Gene: ATP1A2 (ATPase Na+/K+ transporting subunit alpha 2; plus strand). Cytogenetic location: 1q23.2.
Variant type: single nucleotide variant.
Coding change: c.205G>T on transcript NM_000702.4 (MANE Select); coding-DNA position 205, G replaced by T.
Protein change: p.Val69Phe; replaces valine 69 with phenylalanine.
Molecular consequence: missense variant.
Genome position (GRCh38, 1-based): chr1:160,123,240, G>T. VCF-style: chr1-160123240-G-T. GRCh37 (hg19) VCF-style: chr1-160093030-G-T.
Other names: short protein forms V69F.
Identifiers: ClinVar variation 3362160 (VCV003362160.3).